The following is an entry in ClinVar:

NM_001267550.2(TTN):c.84385G>T (p.Val28129Phe)

Genes: TTN-AS1 (TTN antisense RNA 1; plus strand), TTN (titin; minus strand). Cytogenetic location: 2q31.2.
Variant type: single nucleotide variant.
Coding change: c.84385G>T on transcript NM_001267550.2 (MANE Select); coding-DNA position 84385, G replaced by T.
Protein change: p.Val28129Phe; replaces valine 28129 with phenylalanine.
Molecular consequence: missense variant.
Genome position (GRCh38, 1-based): chr2:178,561,747, C>A on the plus strand (G>T on the coding strand, the complement: TTN is on the minus strand). VCF-style: chr2-178561747-C-A. GRCh37 (hg19) VCF-style: chr2-179426474-C-A.
Other names: p.V26488F:GTT>TTT; c.79462G>T, p.Val26488Phe (NM_001256850.1); c.57190G>T, p.Val19064Phe (NM_003319.4); c.76681G>T, p.Val25561Phe (NM_133378.4); c.57565G>T, p.Val19189Phe (NM_133432.3); c.57766G>T, p.Val19256Phe (NM_133437.4); short protein forms V26488F, V28129F, V19189F, V25561F, V19064F, V19256F.
Identifiers: ClinVar variation 202923 (VCV000202923.16), dbSNP rs752974639, ClinGen allele CA310701.

ClinVar aggregate classification (germline): Conflicting classifications of pathogenicity. Review status: criteria provided, conflicting classifications (1 of 4 stars). 11 submissions from 7 submitters: Uncertain significance (9); Likely benign (2). Last evaluated 2026-05-27.

Conditions:
TTN-related disorder. Also called: TTN-related condition; TTN-related disease; TTN-related disorders.
Early-onset myopathy with fatal cardiomyopathy (CMYO5). Also called: Salih Myopathy; CONGENITAL MYOPATHY 5 WITH CARDIOMYOPATHY. Identifiers: Orphanet 289377, MedGen C2673677, MONDO:0012714, OMIM 611705. Disease mechanism: loss of function.
Autosomal recessive limb-girdle muscular dystrophy type 2J (LGMDR10). Also called: Limb-girdle muscular dystrophy, type 2J; MUSCULAR DYSTROPHY, LIMB-GIRDLE, AUTOSOMAL RECESSIVE 10. Identifiers: Orphanet 140922, MedGen C1837342, MONDO:0012127, OMIM 608807.
Myopathy, myofibrillar, 9, with early respiratory failure (MFM9). Also called: EDSTROM MYOPATHY; MYOPATHY, PROXIMAL, WITH EARLY RESPIRATORY MUSCLE INVOLVEMENT; Myopathy, distal, with early respiratory failure, autosomal dominant; Hereditary myopathy with early respiratory failure. Identifiers: Orphanet 178464, Orphanet 34521, MedGen C1863599, MONDO:0011362, OMIM 603689.
Dilated cardiomyopathy 1G (CMD1G). Identifiers: Orphanet 154, MedGen C1858763, MONDO:0011400, OMIM 604145.
Tibial muscular dystrophy (TMD). Also called: Tibial muscular dystrophy, tardive; UDD MYOPATHY; Udd Distal Myopathy – Tibial Muscular Dystrophy. Identifiers: Orphanet 609, MedGen C1838244, MONDO:0010870, OMIM 600334.
Hypertrophic cardiomyopathy 9. Also called: Familial hypertrophic cardiomyopathy 9. Identifiers: MedGen C1861065, MONDO:0013412, OMIM 613765.
Cardiomyopathy (CMYO). Also called: Cardiomyopathies. Identifiers: Orphanet 167848, MedGen C0878544, MONDO:0004994, HP:0001638. Inheritance: Various modes of inheritance.

Allele frequency attached by ClinVar (database versions not stated): ExAC 0.00001; gnomAD 0.00003 and 0.00004; gnomAD exomes 0.00004 and 0.00007; TOPMed 0.00005.
gnomAD v4.1: 114 of 1,613,330 alleles (0.0071%); highest among the groups gnomAD compares: Admixed American, 0.015%; no homozygotes.

Submissions (11):

PreventionGenetics, part of Exact Sciences
Classification: Uncertain significance for TTN-related condition. Last evaluated: 2026-05-27. Review status: criteria provided, single submitter. Criteria: ACMG Guidelines, 2015. Collection method: clinical testing. Allele origin: germline.
Comment: The TTN c.84385G>T variant is predicted to result in the amino acid substitution p.Val28129Phe. This variant has been reported in a cohort study of individuals with dilated cardiomyopathy (described as c.57766G>T, p.Val19256Phe in NM_133437, Table S6, Haas et al. 2015. PubMed ID: 25163546). This variant is reported in 0.0085% of alleles in individuals of Latino descent in gnomAD. At this time, the clinical significance of this variant is uncertain due to the absence of conclusive functional and genetic evidence.

CeGaT Center for Human Genetics Tuebingen
Classification: Uncertain significance. Last evaluated: 2026-01-01. Review status: criteria provided, single submitter. Criteria: CeGaT Center For Human Genetics Tuebingen Variant Classification Criteria Version 2. Collection method: clinical testing. Allele origin: germline. Affected: yes. Observed: 1 variant allele.
Comment: TTN: PM2

CHEO Genetics Diagnostic Laboratory, Children's Hospital of Eastern Ontario
Classification: Likely benign for Cardiomyopathy. Last evaluated: 2023-01-04. Review status: criteria provided, single submitter. Criteria: ACMG Guidelines, 2015. Collection method: clinical testing. Allele origin: germline.

Revvity Omics, Revvity
Classification: Uncertain significance. Last evaluated: 2022-09-27. Review status: criteria provided, single submitter. Criteria: ACMG Guidelines, 2015. Collection method: clinical testing. Allele origin: germline.

Fulgent Genetics
Classification: Uncertain significance for Tibial muscular dystrophy; Myopathy, myofibrillar, 9, with early respiratory failure; Dilated cardiomyopathy 1G; Autosomal recessive limb-girdle muscular dystrophy type 2J; Early-onset myopathy with fatal cardiomyopathy; Hypertrophic cardiomyopathy 9. Last evaluated: 2018-10-31. Review status: criteria provided, single submitter. Criteria: ACMG Guidelines, 2015. Collection method: clinical testing. Allele origin: unknown.

GeneDx
Classification: Likely benign. Last evaluated: 2018-08-02. Review status: criteria provided, single submitter. Criteria: GeneDx Variant Classification Process June 2021. Collection method: clinical testing. Allele origin: germline. Affected: yes.
Comment: This variant is associated with the following publications: (PMID: 25163546)

Illumina Laboratory Services, Illumina
Classification: Uncertain significance for Myopathy, myofibrillar, 9, with early respiratory failure. Last evaluated: 2018-01-13. Review status: criteria provided, single submitter. Criteria: ICSL Variant Classification Criteria 13 December 2019. Collection method: clinical testing. Allele origin: germline.

Illumina Laboratory Services, Illumina
Classification: Uncertain significance for Autosomal recessive limb-girdle muscular dystrophy type 2J. Last evaluated: 2018-01-13. Review status: criteria provided, single submitter. Criteria: ICSL Variant Classification Criteria 13 December 2019. Collection method: clinical testing. Allele origin: germline.

Illumina Laboratory Services, Illumina
Classification: Uncertain significance for Dilated cardiomyopathy 1G. Last evaluated: 2018-01-13. Review status: criteria provided, single submitter. Criteria: ICSL Variant Classification Criteria 13 December 2019. Collection method: clinical testing. Allele origin: germline.

Illumina Laboratory Services, Illumina
Classification: Uncertain significance for Tibial muscular dystrophy. Last evaluated: 2018-01-13. Review status: criteria provided, single submitter. Criteria: ICSL Variant Classification Criteria 13 December 2019. Collection method: clinical testing. Allele origin: germline.

Illumina Laboratory Services, Illumina
Classification: Uncertain significance for Early-onset myopathy with fatal cardiomyopathy. Last evaluated: 2018-01-13. Review status: criteria provided, single submitter. Criteria: ICSL Variant Classification Criteria 13 December 2019. Collection method: clinical testing. Allele origin: germline.